The following is an entry in ClinVar:

NM_000426.4(LAMA2):c.7630del (p.Ile2544fs)

Gene: LAMA2 (laminin subunit alpha 2; plus strand). Cytogenetic location: 6q22.33.
Variant type: Deletion.
Coding change: c.7630del on transcript NM_000426.4 (MANE Select); coding-DNA position 7630, one base deleted (A; older notation c.7630delA).
Protein change: p.Ile2544fs; shifts the reading frame from isoleucine 2544.
Molecular consequence: frameshift variant.
Genome position (GRCh38, 1-based): chr6:129,481,320, A deleted; the last of 2 consecutive A bases (chr6:129,481,319-129,481,320); deleting either gives the same sequence. VCF-style (leftmost placement, unchanged base first): chr6-129481318-CA-C. GRCh37 (hg19) VCF-style: chr6-129802463-CA-C.
Other names: c.7629delA (NM_000426.4); c.7618del, p.Ile2540fs (NM_001079823.2); c.7630delA (NM_000426.4); c.7630del (NM_000426.3); short protein forms I2540fs, I2544fs.
Identifiers: ClinVar variation 996550 (VCV000996550.8), dbSNP rs1784335277, ClinGen allele CA1663173679.

ClinVar aggregate classification (germline): Pathogenic/Likely pathogenic. Review status: criteria provided, multiple submitters, no conflicts (2 of 4 stars). 3 submissions from 3 submitters: Pathogenic (2); Likely pathogenic (1). Last evaluated 2023-03-15.

Conditions:
Merosin deficient congenital muscular dystrophy (MDC1A). Also called: Congenital Muscular Dystrophy Type 1A (MDC1A); Congenital merosin-deficient muscular dystrophy 1A. Identifiers: Orphanet 258, MedGen C1263858, MONDO:0011925, OMIM 607855.

Submissions (3):

Revvity Omics, Revvity
Classification: Pathogenic. Last evaluated: 2023-03-15. Review status: criteria provided, single submitter. Criteria: ACMG Guidelines, 2015. Collection method: clinical testing. Allele origin: germline.

Kasturba Medical College, Manipal, Kasturba Medical College, Manipal, Manipal Academy of Higher Education, Manipal, India
Classification: Pathogenic for Merosin deficient congenital muscular dystrophy. Review status: criteria provided, single submitter. Criteria: ACMG Guidelines, 2015. Collection method: clinical testing. Allele origin: inherited. Inheritance: Autosomal recessive inheritance. Affected: yes.

Lifecell International Pvt. Ltd
Classification: Likely pathogenic for Merosin deficient congenital muscular dystrophy. Review status: criteria provided, single submitter. Criteria: ACMG Guidelines, 2015. Collection method: clinical testing. Allele origin: germline. Inheritance: Autosomal recessive inheritance. Affected: yes. Observed: 1 homozygote.
Comment: A Homozygote Frameshift variant c.7629delA in Exon 55 of the LAMA2 gene that results in the amino acid substitution p.Ile2544fs*3 was identified. The observed variant is novel in gnomAD exomes and genomes, respectively. The severity of the impact of this variant on the protein is high, based on the effect of the protein and REVEL score . Rare Exome Variant Ensemble Learner (REVEL) is an ensembl method for predicting the pathogenicity of missense variants based on a combination of scores from 13 individual tools: MutPred, FATHMM v2.3, VEST 3.0, PolyPhen-2, SIFT, PROVEAN, MutationAssessor, MutationTaster, LRT, GERP++, SiPhy, phyloP, and phastCons. The REVEL score for an individual missense variant can range from 0 to 1, with higher scores reflecting greater likelihood that the variant is disease-causing. ClinVar has also classified this variant as Pathogenic(Variant ID 996550). Based on the above evidence this variant has been classified as Likely Pathogenic according to the ACMG guidelines.